The following is an entry in ClinVar:

ClinVar aggregate classification (germline): Benign/Likely benign. Review status: criteria provided, multiple submitters, no conflicts (2 of 4 stars). 7 submissions from 7 submitters: Benign (4); Likely benign (1). 2 of the submissions do not count toward it. Last evaluated 2025-12-29.

Conditions:
Inborn genetic diseases. Identifiers: MedGen C0950123, MeSH D030342.
Amyotrophic lateral sclerosis type 6. Also called: Amyotrophic lateral sclerosis 6, with or without frontotemporal dementia; FUS-Related Amyotrophic Laterial Sclerosis; AMYOTROPHIC LATERAL SCLEROSIS 6 WITHOUT FRONTOTEMPORAL DEMENTIA. Identifiers: Orphanet 275872, Orphanet 803, MedGen C2931786, MONDO:0011951, OMIM 608030.
Tremor, hereditary essential, 4 (ETM4). Identifiers: MedGen C3539195, MONDO:0013888, OMIM 614782.

Allele frequency attached by ClinVar (database versions not stated): gnomAD exomes 0.00021 and 0.00055; ExAC 0.00078; gnomAD 0.00174 and 0.00179; TOPMed 0.00185; ESP Exome Variant Server 0.00208; 1000 Genomes Project 0.00359.

Submissions (7):

Labcorp Genetics (formerly Invitae), Labcorp
Classification: Benign for Tremor, hereditary essential, 4; Amyotrophic lateral sclerosis type 6. Last evaluated: 2025-12-29. Review status: criteria provided, single submitter. Criteria: Invitae Variant Classification Sherloc (09022015). Collection method: clinical testing. Allele origin: germline.

Mayo Clinic Laboratories, Mayo Clinic
Classification: Benign. Last evaluated: 2024-05-01. Review status: criteria provided, single submitter. Criteria: ACMG Guidelines, 2015. Collection method: clinical testing. Allele origin: germline. Observed: 3 variant alleles.
Comment: BS1, BS2, BP4, BP7

Ambry Genetics
Classification: Likely benign for Inborn genetic diseases. Last evaluated: 2022-06-02. Review status: criteria provided, single submitter. Criteria: Ambry Variant Classification Scheme 2023. Collection method: clinical testing. Allele origin: germline.

GeneDx
Classification: Benign. Last evaluated: 2020-05-19. Review status: criteria provided, single submitter. Criteria: GeneDx Variant Classification Process June 2021. Collection method: clinical testing. Allele origin: germline. Affected: yes.
Comment: This variant is associated with the following publications: (PMID: 24262168)

Illumina Laboratory Services, Illumina
Classification: Benign for Amyotrophic lateral sclerosis type 6. Last evaluated: 2018-01-13. Review status: criteria provided, single submitter. Criteria: ICSL Variant Classification Criteria 13 December 2019. Collection method: clinical testing. Allele origin: germline.
Comment: This variant was observed in the ICSL laboratory as part of a predisposition screen in an ostensibly healthy population. It had not been previously curated by ICSL or reported in the Human Gene Mutation Database (HGMD: prior to June 1st, 2018), and was therefore a candidate for classification through an automated scoring system. Utilizing variant allele frequency, disease prevalence and penetrance estimates, and inheritance mode, an automated score was calculated to assess if this variant is too frequent to cause the disease. Based on the score and internal cut-off values, a variant classified as benign is not then subjected to further curation. The score for this variant resulted in a classification of benign for this disease.

Clinical Genetics DNA and cytogenetics Diagnostics Lab, Erasmus MC, Erasmus Medical Center
Classification: Likely benign. Review status: no assertion criteria provided. Collection method: clinical testing. Allele origin: germline. Affected: yes. Study: VKGL Data-share Consensus. Not counted in ClinVar's aggregate classification.

Genome Diagnostics Laboratory, Amsterdam University Medical Center
Classification: Likely benign. Review status: no assertion criteria provided. Collection method: clinical testing. Allele origin: germline. Affected: yes. Study: VKGL Data-share Consensus. Not counted in ClinVar's aggregate classification.

NM_004960.4(FUS):c.675C>T (p.Gly225=)

Gene: FUS (FUS RNA binding protein; plus strand). Cytogenetic location: 16p11.2.
Variant type: single nucleotide variant.
Coding change: c.675C>T on transcript NM_004960.4 (MANE Select); coding-DNA position 675, C replaced by T.
Protein change: p.Gly225=; no amino-acid change (glycine 225 retained).
Molecular consequence: synonymous variant. On other transcripts: non-coding transcript variant (1).
Genome position (GRCh38, 1-based): chr16:31,185,090, C>T. VCF-style: chr16-31185090-C-T. GRCh37 (hg19) VCF-style: chr16-31196411-C-T.
Other names: p.Gly225=; c.672C>T, p.Gly224= (NM_001170634.1); c.663C>T, p.Gly221= (NM_001170937.1).
Identifiers: ClinVar variation 705951 (VCV000705951.19), dbSNP rs140003720, ClinGen allele CA8023749.
Genomic context (GRCh38, chr16:31,185,090, plus strand): 5'-CGGTGGCTATGGACAGCAGGACCGTGGAGGCCGCGGCAGGGGTGGCAGTGGTGGCGGCGG[C>T]GGCGGCGGCGGTGGTGGTTACAACCGCAGCAGTGGTGGCTATGAACCCAGAGGTCGTGGA-3'
Protein context (NP_004951.1, residues 215-235): GRGRGGSGGG[Gly225=]GGGGGGYNRS